The following is an entry in ClinVar:

ClinVar aggregate classification (germline): Pathogenic (1 of 4 stars; one submission).

Submission:

GeneDx
Classification: Pathogenic. Last evaluated: 2019-02-12. Review status: criteria provided, single submitter. Criteria: GeneDx Variant Classification (06012015). Collection method: clinical testing. Allele origin: germline. Affected: yes.
Comment: The c.1743_1746delCGGC variant in the BCL11B gene has not been reported previously as a pathogenic variant, nor as a benign variant, to our knowledge. The c.1743_1746delCGGC variant causes a frameshift starting with codon Glycine 582, changes this amino acid to a Arginine residue, and creates a premature Stop codon at position 22 of the new reading frame, denoted p.Gly582ArgfsX22. This variant is predicted to cause loss of normal protein function through protein truncation. The c.1743_1746delCGGC variant is not observed in large population cohorts (Lek et al., 2016). We interpret c.1743_1746delCGGC as a pathogenic variant.

NM_138576.4(BCL11B):c.1743_1746del (p.Gly582fs)

Gene: BCL11B (BAF chromatin remodeling complex subunit BCL11B; minus strand). Cytogenetic location: 14q32.2.
Variant type: Deletion.
Coding change: c.1743_1746del on transcript NM_138576.4 (MANE Select); coding-DNA positions 1743 to 1746, 4 bases deleted (CGGC; older notation c.1743_1746delCGGC).
Protein change: p.Gly582fs; shifts the reading frame from glycine 582.
Molecular consequence: frameshift variant.
Genome position (GRCh38, 1-based): chr14:99,175,090-99,175,093, GCCG deleted on the plus strand (CGGC on the coding strand, the reverse complement: BCL11B is on the minus strand). VCF-style (leftmost placement, unchanged base first): chr14-99175089-CGCCG-C. GRCh37 (hg19) VCF-style: chr14-99641426-CGCCG-C.
Other names: c.1740_1743del, p.Gly581fs (NM_001282237.2); c.1527_1530del, p.Gly510fs (NM_001282238.2); c.1530_1533del, p.Gly511fs (NM_022898.3); short protein forms G511fs, G582fs, G510fs, G581fs.
Identifiers: ClinVar variation 817648 (VCV000817648.1), dbSNP rs1595214864, ClinGen allele CA915946352.